The following is an entry in ClinVar:

ClinVar aggregate classification (germline): Uncertain significance (1 of 4 stars; one submission).

Submission:

GeneDx
Classification: Uncertain significance. Last evaluated: 2021-04-26. Review status: criteria provided, single submitter. Criteria: GeneDx Variant Classification Process June 2021. Collection method: clinical testing. Allele origin: germline. Affected: yes.
Comment: Located in a region that tolerates variation and lacks pathogenic variants; Has not been previously published as pathogenic or benign to our knowledge

NM_024598.4(USB1):c.-1dup (p.Met1fs)

Genes: USB1 (U6 snRNA biogenesis phosphodiesterase 1; plus strand), LOC112469011 (Sharpr-MPRA regulatory region 3942; plus strand). Cytogenetic location: 16q21.
Variant type: Duplication.
Coding change: c.-1dup on transcript NM_024598.4 (MANE Select); 1 bases upstream of the start codon, one base duplicated (C; older notation c.-1dupC).
Protein change: p.Met1fs; shifts the reading frame from methionine 1.
Molecular consequence: frameshift variant. On other transcripts: intron variant (1).
Genome position (GRCh38, 1-based): chr16:58,001,483, C duplicated; the last of 4 consecutive C bases (chr16:58,001,480-58,001,483); duplicating any one gives the same sequence. VCF-style (leftmost placement, unchanged base first): chr16-58001479-G-GC. GRCh37 (hg19) VCF-style: chr16-58035383-G-GC.
Other names: c.-1dup, p.Met1fs (NM_001195302.2, NM_001204911.2, NM_001330569.2); c.-55-996dup (NM_001330568.2); short protein forms M1fs.
Identifiers: ClinVar variation 1326453 (VCV001326453.2), dbSNP rs1175356056, ClinGen allele CA622692413.